The following is an entry in ClinVar:

ClinVar aggregate classification (germline): not provided (0 of 4 stars; one submission).

Conditions:
Generalized epilepsy with febrile seizures plus, type 1 (GEFSP1). Also called: GEFS+, TYPE 1. Identifiers: Orphanet 36387, MedGen C1858672, MONDO:0011416, OMIM 604233.

Submissions (2):

Channelopathy-Associated Epilepsy Research Center
No classification provided (evidence only). Condition: Severe myoclonic epilepsy in infancy. Review status: no classification provided. Collection method: literature only. Allele origin: not applicable. Functional consequence: Normal slope of activation, Normal slope of fast inactivation, Normal voltage dependence of activation, Moderate depolarizing shift of voltage dependence of fast inactivation, Mild increase in persistent current, Overall mixed or unclear functional effect not able to be clearly categorized as Gain- or Loss-of-Function. Not counted in ClinVar's aggregate classification.
ClinVar note: "not provided" was previously submitted as the classification for the variant. However, the classification appeared to be based only on an observation of functional data so it was converted to no classification on 2025-07-30.

UniProtKB/Swiss-Prot
No classification provided. Condition: Generalized epilepsy with febrile seizures plus, type 1. Review status: no classification provided. Collection method: not provided. Allele origin: not provided.

Literature cited by the submitters: PubMed 15525788 (cited by Channelopathy-Associated Epilepsy Research Center).

NM_001165963.4(SCN1A):c.5596G>T (p.Asp1866Tyr)

Genes: SCN1A (sodium voltage-gated channel alpha subunit 1; minus strand), LOC102724058 (uncharacterized LOC102724058; plus strand). Cytogenetic location: 2q24.3.
Variant type: single nucleotide variant.
Coding change: c.5596G>T on transcript NM_001165963.4 (MANE Select); coding-DNA position 5596, G replaced by T.
Protein change: p.Asp1866Tyr; replaces aspartic acid 1866 with tyrosine.
Molecular consequence: missense variant. On other transcripts: non-coding transcript variant (1).
Genome position (GRCh38, 1-based): chr2:165,991,679, C>A on the plus strand (G>T on the coding strand, the complement: SCN1A is on the minus strand). VCF-style: chr2-165991679-C-A. GRCh37 (hg19) VCF-style: chr2-166848189-C-A.
Other names: c.5512G>T, p.Asp1838Tyr (NM_001165964.3, NM_001353957.2, NM_001353958.2); c.5596G>T, p.Asp1866Tyr (NM_001202435.3, NM_001353948.2); c.5563G>T, p.Asp1855Tyr (NM_001353949.2, NM_001353950.2, NM_001353951.2 and 2 more transcripts); c.5560G>T, p.Asp1854Tyr (NM_001353954.2, NM_001353955.2); c.5509G>T, p.Asp1837Tyr (NM_001353960.2); c.3154G>T, p.Asp1052Tyr (NM_001353961.2); short protein forms D1855Y, D1866Y, D1052Y, D1837Y, D1838Y, D1854Y.
Identifiers: ClinVar variation 68666 (VCV000068666.3), dbSNP rs121918815, ClinGen allele CA266135.